The following is an entry in ClinVar:

ClinVar aggregate classification (germline): Uncertain significance (1 of 4 stars; one submission).

Conditions:
Arrhythmogenic right ventricular dysplasia 5. Also called: ARRHYTHMOGENIC RIGHT VENTRICULAR DYSPLASIA, FAMILIAL, 5; Arrhythmogenic Right Ventricular Dysplasia/Cardiomyopathy 5. Identifiers: MedGen C1858379, MONDO:0011459, OMIM 604400.

gnomAD v4.1: 1 of 1,613,836 alleles (0.000062%); no homozygotes.

Submission:

Labcorp Genetics (formerly Invitae), Labcorp
Classification: Uncertain significance for Arrhythmogenic right ventricular dysplasia 5. Last evaluated: 2025-01-12. Review status: criteria provided, single submitter. Criteria: Invitae Variant Classification Sherloc (09022015). Collection method: clinical testing. Allele origin: germline.
Comment: This sequence change replaces alanine, which is neutral and non-polar, with valine, which is neutral and non-polar, at codon 61 of the TMEM43 protein (p.Ala61Val). This variant is not present in population databases (gnomAD no frequency). This variant has not been reported in the literature in individuals affected with TMEM43-related conditions. Invitae Evidence Modeling of protein sequence and biophysical properties (such as structural, functional, and spatial information, amino acid conservation, physicochemical variation, residue mobility, and thermodynamic stability) indicates that this missense variant is not expected to disrupt TMEM43 protein function with a negative predictive value of 80%. In summary, the available evidence is currently insufficient to determine the role of this variant in disease. Therefore, it has been classified as a Variant of Uncertain Significance.

NM_024334.3(TMEM43):c.182C>T (p.Ala61Val)

Gene: TMEM43 (transmembrane protein 43; plus strand). Cytogenetic location: 3p25.1.
Variant type: single nucleotide variant.
Coding change: c.182C>T on transcript NM_024334.3 (MANE Select); coding-DNA position 182, C replaced by T.
Protein change: p.Ala61Val; replaces alanine 61 with valine.
Molecular consequence: missense variant.
Genome position (GRCh38, 1-based): chr3:14,130,841, C>T. VCF-style: chr3-14130841-C-T. GRCh37 (hg19) VCF-style: chr3-14172341-C-T.
Other names: c.182C>T, p.Ala61Val (NM_001407274.1, NM_001407275.1, NM_001407276.1 and 2 more transcripts); c.167C>T, p.Ala56Val (NM_001407278.1); c.32C>T, p.Ala11Val (NM_001407280.1); short protein forms A11V, A56V, A61V.
Identifiers: ClinVar variation 3726205 (VCV003726205.2).